The following is an entry in ClinVar:

NM_025137.4(SPG11):c.7249G>A (p.Glu2417Lys)

Gene: SPG11 (SPG11 vesicle trafficking associated, spatacsin; minus strand). Cytogenetic location: 15q21.1.
Variant type: single nucleotide variant.
Coding change: c.7249G>A on transcript NM_025137.4 (MANE Select); coding-DNA position 7249, G replaced by A.
Protein change: p.Glu2417Lys; replaces glutamic acid 2417 with lysine.
Molecular consequence: missense variant.
Genome position (GRCh38, 1-based): chr15:44,563,204, C>T on the plus strand (G>A on the coding strand, the complement: SPG11 is on the minus strand). VCF-style: chr15-44563204-C-T. GRCh37 (hg19) VCF-style: chr15-44855402-C-T.
Other names: c.6910G>A, p.Glu2304Lys (NM_001160227.2); short protein forms E2417K, E2304K.
Identifiers: ClinVar variation 565892 (VCV000565892.17), dbSNP rs371313584, ClinGen allele CA7533841.

ClinVar aggregate classification (germline): Conflicting classifications of pathogenicity. Review status: criteria provided, conflicting classifications (1 of 4 stars). 7 submissions from 5 submitters: Uncertain significance (6); Likely benign (1). Last evaluated 2026-01-22.

Conditions:
Charcot-Marie-Tooth disease axonal type 2X. Also called: CHARCOT-MARIE-TOOTH DISEASE, AXONAL, AUTOSOMAL RECESSIVE, TYPE 2X; CHARCOT-MARIE-TOOTH NEUROPATHY, TYPE 2X. Identifiers: Orphanet 466775, MedGen C5569024, MONDO:0014726, OMIM 616668.
Hereditary spastic paraplegia 11. Also called: Nakamura Osame syndrome; Spastic paraplegia, mental retardation and thin corpus callosum; Autosomal recessive hereditary spastic paraplegia, mental impairment, and thin corpus callosum; Spastic Paraplegia 11; SPASTIC PARAPLEGIA, AUTOSOMAL RECESSIVE, COMPLICATED, WITH THIN CORPUS CALLOSUM; SPASTIC PARAPLEGIA, AUTOSOMAL RECESSIVE, WITH MENTAL IMPAIRMENT AND THIN CORPUS CALLOSUM. Identifiers: Orphanet 2822, MedGen C1858479, MONDO:0011445, OMIM 604360.
Inborn genetic diseases. Identifiers: MedGen C0950123, MeSH D030342.
Amyotrophic lateral sclerosis type 5 (ALS5). Also called: AMYOTROPHIC LATERAL SCLEROSIS 5, JUVENILE. Identifiers: Orphanet 300605, MedGen C1865864, MONDO:0011196, OMIM 602099.

Allele frequency attached by ClinVar (database versions not stated): TOPMed 0.00004; gnomAD 0.00006; ESP Exome Variant Server 0.00008; 1000 Genomes Project 30x 0.00016.
gnomAD v4.1: 82 of 1,614,082 alleles (0.0051%); highest among the groups gnomAD compares: Non-Finnish European, 0.0056%; no homozygotes.

Submissions (7):

Labcorp Genetics (formerly Invitae), Labcorp
Classification: Likely benign for Hereditary spastic paraplegia 11. Last evaluated: 2026-01-22. Review status: criteria provided, single submitter. Criteria: Invitae Variant Classification Sherloc (09022015). Collection method: clinical testing. Allele origin: germline.

Ambry Genetics
Classification: Uncertain significance for Inborn genetic diseases. Last evaluated: 2025-12-02. Review status: criteria provided, single submitter. Criteria: Ambry Variant Classification Scheme 2023. Collection method: clinical testing. Allele origin: germline.

Blueprint Genetics
Classification: Uncertain significance. Last evaluated: 2024-01-11. Review status: criteria provided, single submitter. Criteria: ACMG Guidelines, 2015. Collection method: clinical testing. Allele origin: germline.

GeneDx
Classification: Uncertain significance. Last evaluated: 2020-11-20. Review status: criteria provided, single submitter. Criteria: GeneDx Variant Classification Process June 2021. Collection method: clinical testing. Allele origin: germline. Affected: yes.
Comment: In silico analysis supports that this missense variant does not alter protein structure/function; Has not been previously published as pathogenic or benign to our knowledge

Genome-Nilou Lab
Classification: Uncertain significance for Amyotrophic lateral sclerosis type 5. Review status: criteria provided, single submitter. Criteria: ACMG Guidelines, 2015. Collection method: clinical testing. Allele origin: germline.

Genome-Nilou Lab
Classification: Uncertain significance for Charcot-Marie-Tooth disease axonal type 2X. Review status: criteria provided, single submitter. Criteria: ACMG Guidelines, 2015. Collection method: clinical testing. Allele origin: germline.

Genome-Nilou Lab
Classification: Uncertain significance for Hereditary spastic paraplegia 11. Review status: criteria provided, single submitter. Criteria: ACMG Guidelines, 2015. Collection method: clinical testing. Allele origin: germline.